The following is an entry in ClinVar:

NM_004415.4(DSP):c.4863G>A (p.Gln1621=)

Gene: DSP (desmoplakin; plus strand). Cytogenetic location: 6p24.3.
Variant type: single nucleotide variant.
Coding change: c.4863G>A on transcript NM_004415.4 (MANE Select); coding-DNA position 4863, G replaced by A.
Protein change: p.Gln1621=; no amino-acid change (glutamine 1621 retained).
Molecular consequence: synonymous variant. On other transcripts: intron variant (2).
Genome position (GRCh38, 1-based): chr6:7,581,053, G>A. VCF-style: chr6-7581053-G-A. GRCh37 (hg19) VCF-style: chr6-7581286-G-A.
Other names: c.4050+813G>A (NM_001319034.2); c.3582+1281G>A (NM_001008844.3).
Identifiers: ClinVar variation 4681838 (VCV004681838.5).
Genomic context (GRCh38, chr6:7,581,053, plus strand): 5'-GAGGAGGTCGCTGAAGGAGCAAGCCATCAAAATCACCAACCTGACCCAGCAGCTGGAGCA[G>A]GCATCCATTGTTAAGAAGAGGAGTGAGGATGACCTCCGGCAGCAGAGGGACGTGCTGGAT-3'
Protein context (NP_004406.2, residues 1611-1631): KITNLTQQLE[Gln1621=]ASIVKKRSED

ClinVar aggregate classification (germline): Likely benign (1 of 4 stars; one submission).

gnomAD v4.1: 3 of 1,614,084 alleles (0.00019%); highest among the groups gnomAD compares: Admixed American, 0.005%; no homozygotes.

Submission:

CeGaT Center for Human Genetics Tuebingen
Classification: Likely benign. Last evaluated: 2025-12-01. Review status: criteria provided, single submitter. Criteria: CeGaT Center For Human Genetics Tuebingen Variant Classification Criteria Version 2. Collection method: clinical testing. Allele origin: germline. Affected: yes. Observed: 1 variant allele.
Comment: DSP: BP4, BP7